The following is an entry in ClinVar:

ClinVar aggregate classification (germline): Uncertain significance. Review status: criteria provided, multiple submitters, no conflicts (2 of 4 stars). 2 submissions from 2 submitters: Uncertain significance (2). Last evaluated 2025-11-08.

Conditions:
Beckwith-Wiedemann syndrome (BWS). Also called: EMG SYNDROME; Exomphalos macroglossia gigantism syndrome. Identifiers: Orphanet 116, MedGen C0004903, MONDO:0007534, OMIM 130650.

Allele frequency attached by ClinVar (database versions not stated): TOPMed 0.00003; gnomAD 0.00005 and 0.00006; gnomAD exomes 0.00008.
gnomAD v4.1: 89 of 1,144,612 alleles (0.0078%); highest among the groups gnomAD compares: Non-Finnish European, 0.0094%; no homozygotes.

Submissions (2):

Labcorp Genetics (formerly Invitae), Labcorp
Classification: Uncertain significance for Beckwith-Wiedemann syndrome. Last evaluated: 2025-11-08. Review status: criteria provided, single submitter. Criteria: Invitae Variant Classification Sherloc (09022015). Collection method: clinical testing. Allele origin: germline.
Comment: This sequence change replaces proline, which is neutral and non-polar, with leucine, which is neutral and non-polar, at codon 164 of the CDKN1C protein (p.Pro164Leu). This variant is present in population databases (no rsID available, gnomAD 0.01%). This missense change has been observed in individual(s) with suspected Beckwith–Wiedemann syndrome (PMID: 26061650). ClinVar contains an entry for this variant (Variation ID: 454005). Invitae Evidence Modeling of protein sequence and biophysical properties (such as structural, functional, and spatial information, amino acid conservation, physicochemical variation, residue mobility, and thermodynamic stability) indicates that this missense variant is not expected to disrupt CDKN1C protein function with a negative predictive value of 80%. In summary, the available evidence is currently insufficient to determine the role of this variant in disease. Therefore, it has been classified as a Variant of Uncertain Significance.

Baylor Genetics
Classification: Uncertain significance for Beckwith-Wiedemann syndrome. Last evaluated: 2023-10-11. Review status: criteria provided, single submitter. Criteria: ACMG Guidelines, 2015. Collection method: clinical testing. Allele origin: unknown.

Literature cited by the submitters: PubMed 26061650 (cited by Labcorp Genetics (formerly Invitae), Labcorp).

NM_001122630.2(CDKN1C):c.458C>T (p.Pro153Leu)

Gene: CDKN1C (cyclin dependent kinase inhibitor 1C; minus strand). Cytogenetic location: 11p15.4.
Variant type: single nucleotide variant.
Coding change: c.458C>T on transcript NM_001122630.2 (MANE Select); coding-DNA position 458, C replaced by T.
Protein change: p.Pro153Leu; replaces proline 153 with leucine.
Molecular consequence: missense variant. On other transcripts: intron variant (1).
Genome position (GRCh38, 1-based): chr11:2,884,999, G>A on the plus strand (C>T on the coding strand, the complement: CDKN1C is on the minus strand). VCF-style: chr11-2884999-G-A. GRCh37 (hg19) VCF-style: chr11-2906229-G-A.
Other names: c.491C>T, p.Pro164Leu (LRG_533t1, NM_000076.2, NM_001362474.2); c.458C>T, p.Pro153Leu (NM_001122631.2); c.255+203C>T (NM_001362475.2); short protein forms P164L, P153L.
Identifiers: ClinVar variation 454005 (VCV000454005.8), dbSNP rs1315960524, ClinGen allele CA379146595.